The following is an entry in ClinVar:

ClinVar aggregate classification (germline): Uncertain significance (1 of 4 stars; one submission).

Allele frequency attached by ClinVar (database versions not stated): gnomAD exomes below 0.00001.
gnomAD v4.1: 2 of 1,475,448 alleles (0.00014%); highest among the groups gnomAD compares: Non-Finnish European, 0.00019%; no homozygotes.

Submission:

Labcorp Genetics (formerly Invitae), Labcorp
Classification: Uncertain significance. Last evaluated: 2022-07-07. Review status: criteria provided, single submitter. Criteria: Invitae Variant Classification Sherloc (09022015). Collection method: clinical testing. Allele origin: germline.
Comment: Variants that disrupt the consensus splice site are a relatively common cause of aberrant splicing (PMID: 17576681, 9536098). Algorithms developed to predict the effect of sequence changes on RNA splicing suggest that this variant is not likely to affect RNA splicing. This variant has not been reported in the literature in individuals affected with PIK3C2A-related conditions. This variant is present in population databases (no rsID available, gnomAD 0.0009%). This sequence change falls in intron 27 of the PIK3C2A gene. It does not directly change the encoded amino acid sequence of the PIK3C2A protein. It affects a nucleotide within the consensus splice site. In summary, the available evidence is currently insufficient to determine the role of this variant in disease. Therefore, it has been classified as a Variant of Uncertain Significance.

Literature cited by the submitters: PubMed 17576681; PubMed 9536098.

NM_002645.4(PIK3C2A):c.4326+6T>A

Gene: PIK3C2A (phosphatidylinositol-4-phosphate 3-kinase catalytic subunit type 2 alpha; minus strand). Cytogenetic location: 11p15.1.
Variant type: single nucleotide variant.
Coding change: c.4326+6T>A on transcript NM_002645.4 (MANE Select); 6 bases into the intron after coding-DNA position 4326, T replaced by A.
Molecular consequence: intron variant.
Genome position (GRCh38, 1-based): chr11:17,097,051, A>T on the plus strand (T>A on the coding strand, the complement: PIK3C2A is on the minus strand). VCF-style: chr11-17097051-A-T. GRCh37 (hg19) VCF-style: chr11-17118598-A-T.
Other names: c.3186+6T>A (NM_001321380.2); c.4158+6T>A (NM_001386870.1); c.4326+6T>A (NM_001321378.2).
Identifiers: ClinVar variation 1950016 (VCV001950016.5), dbSNP rs1183002561, ClinGen allele CA597904052.